The following is an entry in ClinVar:

ClinVar aggregate classification (germline): Likely benign. Review status: criteria provided, single submitter (1 of 4 stars). 2 submissions from 2 submitters: Likely benign (1). 1 of the submissions does not count toward it. Last evaluated 2025-07-21.

Conditions:
FAM111A-related disorder. Also called: FAM111A-related condition.

Submissions (2):

Labcorp Genetics (formerly Invitae), Labcorp
Classification: Likely benign. Last evaluated: 2025-07-21. Review status: criteria provided, single submitter. Criteria: Invitae Variant Classification Sherloc (09022015). Collection method: clinical testing. Allele origin: germline.

PreventionGenetics, part of Exact Sciences
Classification: Likely benign for FAM111A-related condition. Last evaluated: 2024-01-04. Review status: no assertion criteria provided. Collection method: clinical testing. Allele origin: germline. Not counted in ClinVar's aggregate classification.
Comment: This variant is classified as likely benign based on ACMG/AMP sequence variant interpretation guidelines (Richards et al. 2015 PMID: 25741868, with internal and published modifications).

NM_001312909.2(FAM111A):c.486_489del (p.Lys163fs)

Gene: FAM111A (FAM111 trypsin like peptidase A; plus strand). Cytogenetic location: 11q12.1.
Variant type: Deletion.
Coding change: c.486_489del on transcript NM_001312909.2 (MANE Select); coding-DNA positions 486 to 489, 4 bases deleted (TAAG; older notation c.486_489delTAAG).
Protein change: p.Lys163fs; shifts the reading frame from lysine 163.
Molecular consequence: frameshift variant.
Genome position (GRCh38, 1-based): chr11:59,152,154-59,152,157, TAAG deleted; deleting any 4 consecutive bases within chr11:59,152,151-59,152,157 gives the same sequence; the c. name uses the placement nearest the transcript's 3' end. VCF-style (leftmost placement, unchanged base first): chr11-59152150-AAAGT-A. GRCh37 (hg19) VCF-style: chr11-58919623-AAAGT-A.
Other names: c.486_489del, p.Lys163fs (NM_001142519.3, NM_001142520.3, NM_001142521.3 and 29 more transcripts); c.486_489del (NM_022074.3); short protein forms K163fs.
Identifiers: ClinVar variation 756175 (VCV000756175.10), dbSNP rs757690219, ClinGen allele CA6016584.